The following is an entry in ClinVar:

ClinVar aggregate classification (germline): Likely benign. Review status: criteria provided, single submitter (1 of 4 stars). 2 submissions from 2 submitters: Likely benign (1). 1 of the submissions does not count toward it. Last evaluated 2024-09-01.

Conditions:
PLXNA2-related disorder. Also called: PLXNA2-related condition.

Allele frequency attached by ClinVar (database versions not stated): gnomAD 0.00001 and 0.00004; gnomAD exomes 0.00001 and 0.00007; ExAC 0.00002.
gnomAD v4.1: 126 of 1,613,878 alleles (0.0078%); highest among the groups gnomAD compares: Middle Eastern, 0.23%; 1 homozygote.

Submissions (2):

Labcorp Genetics (formerly Invitae), Labcorp
Classification: Likely benign. Last evaluated: 2024-09-01. Review status: criteria provided, single submitter. Criteria: Invitae Variant Classification Sherloc (09022015). Collection method: clinical testing. Allele origin: germline.

PreventionGenetics, part of Exact Sciences
Classification: Likely benign for PLXNA2-related condition. Last evaluated: 2023-02-02. Review status: no assertion criteria provided. Collection method: clinical testing. Allele origin: germline. Not counted in ClinVar's aggregate classification.
Comment: This variant is classified as likely benign based on ACMG/AMP sequence variant interpretation guidelines (Richards et al. 2015 PMID: 25741868, with internal and published modifications).

NM_025179.4(PLXNA2):c.4512C>T (p.Cys1504=)

Gene: PLXNA2 (plexin A2; minus strand). Cytogenetic location: 1q32.2.
Variant type: single nucleotide variant.
Coding change: c.4512C>T on transcript NM_025179.4 (MANE Select); coding-DNA position 4512, C replaced by T.
Protein change: p.Cys1504=; no amino-acid change (cysteine 1504 retained).
Molecular consequence: synonymous variant.
Genome position (GRCh38, 1-based): chr1:208,038,973, G>A on the plus strand (C>T on the coding strand, the complement: PLXNA2 is on the minus strand). VCF-style: chr1-208038973-G-A. GRCh37 (hg19) VCF-style: chr1-208212318-G-A.
Other names: c.4512C>T (NM_025179.3).
Identifiers: ClinVar variation 1585023 (VCV001585023.10), dbSNP rs113860539, ClinGen allele CA1372852.